The following is an entry in ClinVar:

NM_000142.5(FGFR3):c.931-710G>A

Gene: FGFR3 (fibroblast growth factor receptor 3; plus strand). Cytogenetic location: 4p16.3.
Variant type: single nucleotide variant.
Coding change: c.931-710G>A on transcript NM_000142.5 (MANE Select); 710 bases into the intron before coding-DNA position 931, G replaced by A.
Molecular consequence: intron variant. On other transcripts: synonymous variant (1), non-coding transcript variant (1).
Genome position (GRCh38, 1-based): chr4:1,802,982, G>A. VCF-style: chr4-1802982-G-A. GRCh37 (hg19) VCF-style: chr4-1804709-G-A.
Other names: c.999G>A, p.Gly333= (NM_001163213.2); c.931-710G>A (NM_001354809.2, NM_001354810.2); c.930+957G>A (NM_022965.4).
Identifiers: ClinVar variation 3050339 (VCV003050339.2), dbSNP rs2546813418, ClinGen allele CA437952817.

ClinVar aggregate classification (germline): Likely benign (0 of 4 stars; one submission).

Conditions:
FGFR3-related disorder. Also called: FGFR3-related disorders.

Submission:

PreventionGenetics, part of Exact Sciences
Classification: Likely benign for FGFR3-related condition. Last evaluated: 2019-07-15. Review status: no assertion criteria provided. Collection method: clinical testing. Allele origin: germline.
Comment: This variant is classified as likely benign based on ACMG/AMP sequence variant interpretation guidelines (Richards et al. 2015 PMID: 25741868, with internal and published modifications).